The following is an entry in ClinVar:

NM_153704.6(TMEM67):c.2001A>G (p.Ile667Met)

Gene: TMEM67 (transmembrane protein 67; plus strand). Cytogenetic location: 8q22.1.
Variant type: single nucleotide variant.
Coding change: c.2001A>G on transcript NM_153704.6 (MANE Select); coding-DNA position 2001, A replaced by G.
Protein change: p.Ile667Met; replaces isoleucine 667 with methionine.
Molecular consequence: missense variant. On other transcripts: non-coding transcript variant (1).
Genome position (GRCh38, 1-based): chr8:93,797,371, A>G. VCF-style: chr8-93797371-A-G. GRCh37 (hg19) VCF-style: chr8-94809599-A-G.
Other names: c.1758A>G, p.Ile586Met (NM_001142301.1); short protein forms I586M, I667M.
Identifiers: ClinVar variation 1715680 (VCV001715680.6), dbSNP rs1411984897, ClinGen allele CA371693612.

ClinVar aggregate classification (germline): Uncertain significance (1 of 4 stars; one submission).

Conditions:
Meckel-Gruber syndrome. Also called: DYSENCEPHALIA SPLANCHNOCYSTICA; GRUBER SYNDROME; Dysencephalia splachnocystica. Identifiers: Orphanet 564, MedGen C0265215, MONDO:0018921.
Joubert syndrome. Also called: CEREBELLOPARENCHYMAL DISORDER IV; JOUBERT-BOLTSHAUSER SYNDROME; Familial aplasia of the vermis. Identifiers: Orphanet 475, MedGen C5979921, MONDO:0018772.

Allele frequency attached by ClinVar (database versions not stated): gnomAD exomes 0.00001.
gnomAD v4.1: 9 of 1,614,150 alleles (0.00056%); highest among the groups gnomAD compares: Non-Finnish European, 0.00076%; no homozygotes.

Submission:

Labcorp Genetics (formerly Invitae), Labcorp
Classification: Uncertain significance for Joubert syndrome; Meckel-Gruber syndrome. Last evaluated: 2022-11-01. Review status: criteria provided, single submitter. Criteria: Invitae Variant Classification Sherloc (09022015). Collection method: clinical testing. Allele origin: germline.
Comment: This variant has not been reported in the literature in individuals affected with TMEM67-related conditions. This sequence change replaces isoleucine, which is neutral and non-polar, with methionine, which is neutral and non-polar, at codon 667 of the TMEM67 protein (p.Ile667Met). This variant is present in population databases (no rsID available, gnomAD 0.0009%). Advanced modeling of protein sequence and biophysical properties (such as structural, functional, and spatial information, amino acid conservation, physicochemical variation, residue mobility, and thermodynamic stability) performed at Invitae indicates that this missense variant is expected to disrupt TMEM67 protein function. In summary, the available evidence is currently insufficient to determine the role of this variant in disease. Therefore, it has been classified as a Variant of Uncertain Significance.